The following is an entry in ClinVar:

ClinVar aggregate classification (germline): Pathogenic. Review status: criteria provided, multiple submitters, no conflicts (2 of 4 stars). 2 submissions from 2 submitters: Pathogenic (2). Last evaluated 2025-08-04.

Conditions:
Hereditary cancer-predisposing syndrome. Also called: Hereditary Cancer Syndrome; Hereditary neoplastic syndrome; Neoplastic Syndromes, Hereditary; Tumor predisposition. Identifiers: Orphanet 140162, MedGen C0027672, MeSH D009386, MONDO:0015356.
Familial cancer of breast. Also called: BREAST CANCER, FAMILIAL; Hereditary breast cancer; hereditary breast carcinoma. Identifiers: Orphanet 227535, MedGen C0346153, MONDO:0016419, OMIM 114480. Disease mechanism: loss of function.

Submissions (2):

Labcorp Genetics (formerly Invitae), Labcorp
Classification: Pathogenic for Familial cancer of breast. Last evaluated: 2025-08-04. Review status: criteria provided, single submitter. Criteria: Invitae Variant Classification Sherloc (09022015). Collection method: clinical testing. Allele origin: germline.
Comment: This sequence change creates a premature translational stop signal (p.Ser412Valfs*2) in the CHEK2 gene. It is expected to result in an absent or disrupted protein product. Loss-of-function variants in CHEK2 are known to be pathogenic (PMID: 21876083, 24713400). This variant is not present in population databases (gnomAD no frequency). This variant has not been reported in the literature in individuals affected with CHEK2-related conditions. ClinVar contains an entry for this variant (Variation ID: 1451414). For these reasons, this variant has been classified as Pathogenic.

Ambry Genetics
Classification: Pathogenic for Hereditary cancer-predisposing syndrome. Last evaluated: 2025-04-14. Review status: criteria provided, single submitter. Criteria: Ambry Variant Classification Scheme 2023. Collection method: clinical testing. Allele origin: germline.
Comment: The c.1209_1233dup25 variant, located in coding exon 10 of the CHEK2 gene, results from a duplication of 25 nucleotides at positions 1209 to 1233, causing a translational frameshift with a predicted alternate stop codon (p.S412Vfs*2). This variant is considered to be rare based on population cohorts in the Genome Aggregation Database (gnomAD). This alteration is expected to result in loss of function by premature protein truncation or nonsense-mediated mRNA decay. As such, this alteration is interpreted as a disease-causing mutation.

Literature cited by the submitters: PubMed 21876083 (cited by Labcorp Genetics (formerly Invitae), Labcorp); PubMed 24713400 (cited by Labcorp Genetics (formerly Invitae), Labcorp).

NM_007194.4(CHEK2):c.1209_1233dup (p.Ser412delinsValTer)

Gene: CHEK2 (checkpoint kinase 2; minus strand). Cytogenetic location: 22q12.1.
Variant type: Duplication.
Coding change: c.1209_1233dup on transcript NM_007194.4 (MANE Select); coding-DNA positions 1209 to 1233, 25 bases duplicated (GTATAACCGTGCTGTGGACTGCTGG).
Protein change: p.Ser412delinsValTer.
Molecular consequence: nonsense. On other transcripts: frameshift variant (4).
Genome position (GRCh38, 1-based): chr22:28,695,736-28,695,760, CCAGCAGTCCACAGCACGGTTATAC duplicated on the plus strand (GTATAACCGTGCTGTGGACTGCTGG on the coding strand, the reverse complement: CHEK2 is on the minus strand); duplicating any 25 consecutive bases within chr22:28,695,736-28,695,770 gives the same sequence; the c. name uses the placement nearest the transcript's 3' end. VCF-style (leftmost placement, unchanged base first): chr22-28695735-T-TCCAGCAGTCCACAGCACGGTTATAC. GRCh37 (hg19) VCF-style: chr22-29091723-T-TCCAGCAGTCCACAGCACGGTTATAC.
Other names: c.1328_1352dup, p.Ser455Valfs (NM_001005735.3); c.536_560dup, p.Ser191Valfs (NM_001257387.3); c.998_1022dup, p.Ser345Valfs (NM_001349956.3); c.1112_1136dup, p.Ser383Valfs (NM_145862.3).
Identifiers: ClinVar variation 1451414 (VCV001451414.8), dbSNP rs1555913672, ClinGen allele CA2573157953.
Genomic context (GRCh38, chr22:28,695,735, plus strand): 5'-CTACCAGTCTGTGCAGCAATGAAAATATTTCTTACCAGATAAAAAGAATAACTCCTAAAC[T>TCCAGCAGTCCACAGCACGGTTATAC]CCAGCAGTCCACAGCACGGTTATACCCAGCAGTCCCAACAGAAACAAGAACTTCAGGCGC-3'